The following is an entry in ClinVar:

NM_024741.3(ZNF408):c.1547G>A (p.Arg516Gln)

Gene: ZNF408 (zinc finger protein 408; plus strand). Cytogenetic location: 11p11.2.
Variant type: single nucleotide variant.
Coding change: c.1547G>A on transcript NM_024741.3 (MANE Select); coding-DNA position 1547, G replaced by A.
Protein change: p.Arg516Gln; replaces arginine 516 with glutamine.
Molecular consequence: missense variant.
Genome position (GRCh38, 1-based): chr11:46,705,247, G>A. VCF-style: chr11-46705247-G-A. GRCh37 (hg19) VCF-style: chr11-46726797-G-A.
Other names: c.1523G>A, p.Arg508Gln (NM_001184751.2); short protein forms R508Q, R516Q.
Identifiers: ClinVar variation 844030 (VCV000844030.7), dbSNP rs147829946, ClinGen allele CA5966597.

ClinVar aggregate classification (germline): Uncertain significance (1 of 4 stars; one submission).

Allele frequency attached by ClinVar (database versions not stated): ExAC 0.00001; gnomAD 0.00001; gnomAD exomes 0.00001; TOPMed 0.00001; ESP Exome Variant Server 0.00008.
gnomAD v4.1: 17 of 1,611,958 alleles (0.0011%); highest among the groups gnomAD compares: South Asian, 0.0033%; no homozygotes.

Submission:

Labcorp Genetics (formerly Invitae), Labcorp
Classification: Uncertain significance. Last evaluated: 2021-09-02. Review status: criteria provided, single submitter. Criteria: Invitae Variant Classification Sherloc (09022015). Collection method: clinical testing. Allele origin: germline.
Comment: This sequence change replaces arginine with glutamine at codon 516 of the ZNF408 protein (p.Arg516Gln). The arginine residue is highly conserved and there is a small physicochemical difference between arginine and glutamine. This variant is present in population databases (rs147829946, ExAC 0.002%). This variant has not been reported in the literature in individuals affected with ZNF408-related conditions. Algorithms developed to predict the effect of missense changes on protein structure and function (SIFT, PolyPhen-2, Align-GVGD) all suggest that this variant is likely to be disruptive. Algorithms developed to predict the effect of sequence changes on RNA splicing suggest that this variant may create or strengthen a splice site. In summary, the available evidence is currently insufficient to determine the role of this variant in disease. Therefore, it has been classified as a Variant of Uncertain Significance.